The following is an entry in ClinVar:

ClinVar aggregate classification (germline): Uncertain significance. Review status: criteria provided, multiple submitters, no conflicts (2 of 4 stars). 2 submissions from 2 submitters: Uncertain significance (2). Last evaluated 2024-02-17.

Conditions:
Inborn genetic diseases. Identifiers: MedGen C0950123, MeSH D030342.
Hermansky-Pudlak syndrome 2 (HPS2). Also called: Platelet defects and oculocutaneous albinism. Identifiers: Orphanet 183678, Orphanet 79430, MedGen C1842362, MONDO:0011997, OMIM 608233.

Allele frequency attached by ClinVar (database versions not stated): TOPMed 0.00001; gnomAD 0.00002; ExAC 0.00006; 1000 Genomes Project 30x 0.00016; 1000 Genomes Project 0.00020.
gnomAD v4.1: 60 of 1,613,912 alleles (0.0037%); highest among the groups gnomAD compares: South Asian, 0.064%; no homozygotes.

Submissions (2):

Ambry Genetics
Classification: Uncertain significance for Inborn genetic diseases. Last evaluated: 2024-02-17. Review status: criteria provided, single submitter. Criteria: Ambry Variant Classification Scheme 2023. Collection method: clinical testing. Allele origin: germline.

Labcorp Genetics (formerly Invitae), Labcorp
Classification: Uncertain significance for Hermansky-Pudlak syndrome 2. Last evaluated: 2022-07-05. Review status: criteria provided, single submitter. Criteria: Invitae Variant Classification Sherloc (09022015). Collection method: clinical testing. Allele origin: germline.
Comment: This sequence change replaces aspartic acid, which is acidic and polar, with glycine, which is neutral and non-polar, at codon 530 of the AP3B1 protein (p.Asp530Gly). This variant is present in population databases (rs567754566, gnomAD 0.05%). This variant has not been reported in the literature in individuals affected with AP3B1-related conditions. Algorithms developed to predict the effect of missense changes on protein structure and function are either unavailable or do not agree on the potential impact of this missense change (SIFT: "Deleterious"; PolyPhen-2: "Possibly Damaging"; Align-GVGD: "Class C0"). Algorithms developed to predict the effect of sequence changes on RNA splicing suggest that this variant may disrupt the consensus splice site. In summary, the available evidence is currently insufficient to determine the role of this variant in disease. Therefore, it has been classified as a Variant of Uncertain Significance.

NM_003664.5(AP3B1):c.1589A>G (p.Asp530Gly)

Gene: AP3B1 (adaptor related protein complex 3 subunit beta 1; minus strand). Cytogenetic location: 5q14.1.
Variant type: single nucleotide variant.
Coding change: c.1589A>G on transcript NM_003664.5 (MANE Select); coding-DNA position 1589, A replaced by G.
Protein change: p.Asp530Gly; replaces aspartic acid 530 with glycine.
Molecular consequence: missense variant.
Genome position (GRCh38, 1-based): chr5:78,141,204, T>C on the plus strand (A>G on the coding strand, the complement: AP3B1 is on the minus strand). VCF-style: chr5-78141204-T-C. GRCh37 (hg19) VCF-style: chr5-77437028-T-C.
Other names: c.1442A>G, p.Asp481Gly (NM_001271769.2); c.1589A>G, p.Asp530Gly (NM_001410752.1); c.1589A>G (NM_003664.3); short protein forms D530G, D481G.
Identifiers: ClinVar variation 2199663 (VCV002199663.4), dbSNP rs567754566, ClinGen allele CA3317026.